The following is an entry in ClinVar:

NM_145290.4(ADGRA3):c.3914A>G (p.Asp1305Gly)

Gene: ADGRA3 (adhesion G protein-coupled receptor A3; minus strand). Cytogenetic location: 4p15.2.
Variant type: single nucleotide variant.
Coding change: c.3914A>G on transcript NM_145290.4 (MANE Select); coding-DNA position 3914, A replaced by G.
Protein change: p.Asp1305Gly; replaces aspartic acid 1305 with glycine.
Molecular consequence: missense variant.
Genome position (GRCh38, 1-based): chr4:22,387,757, T>C on the plus strand (A>G on the coding strand, the complement: ADGRA3 is on the minus strand). VCF-style: chr4-22387757-T-C. GRCh37 (hg19) VCF-style: chr4-22389380-T-C.
Other names: short protein forms D1305G.
Identifiers: ClinVar variation 3691358 (VCV003691358.2).

ClinVar aggregate classification (germline): Uncertain significance (1 of 4 stars; one submission).

gnomAD v4.1: 6 of 1,614,056 alleles (0.00037%); highest among the groups gnomAD compares: Non-Finnish European, 0.00051%; no homozygotes.

Submission:

Labcorp Genetics (formerly Invitae), Labcorp
Classification: Uncertain significance. Last evaluated: 2024-08-21. Review status: criteria provided, single submitter. Criteria: Invitae Variant Classification Sherloc (09022015). Collection method: clinical testing. Allele origin: germline.
Comment: This sequence change replaces aspartic acid, which is acidic and polar, with glycine, which is neutral and non-polar, at codon 1305 of the ADGRA3 protein (p.Asp1305Gly). This variant is not present in population databases (gnomAD no frequency). This variant has not been reported in the literature in individuals affected with ADGRA3-related conditions. An algorithm developed to predict the effect of missense changes on protein structure and function (PolyPhen-2) suggests that this variant is likely to be tolerated. In summary, the available evidence is currently insufficient to determine the role of this variant in disease. Therefore, it has been classified as a Variant of Uncertain Significance.